The following is an entry in ClinVar:

ClinVar aggregate classification (germline): Uncertain significance (1 of 4 stars; one submission).

Submission:

Labcorp Genetics (formerly Invitae), Labcorp
Classification: Uncertain significance. Last evaluated: 2022-10-23. Review status: criteria provided, single submitter. Criteria: Invitae Variant Classification Sherloc (09022015). Collection method: clinical testing. Allele origin: germline.
Comment: This sequence change replaces methionine, which is neutral and non-polar, with valine, which is neutral and non-polar, at codon 355 of the CLTC protein (p.Met355Val). In summary, the available evidence is currently insufficient to determine the role of this variant in disease. Therefore, it has been classified as a Variant of Uncertain Significance. Advanced modeling of protein sequence and biophysical properties (such as structural, functional, and spatial information, amino acid conservation, physicochemical variation, residue mobility, and thermodynamic stability) performed at Invitae indicates that this missense variant is not expected to disrupt CLTC protein function. This variant has not been reported in the literature in individuals affected with CLTC-related conditions. This variant is not present in population databases (gnomAD no frequency).

NM_004859.4(CLTC):c.1051A>G (p.Met351Val)

Gene: CLTC (clathrin heavy chain; plus strand). Cytogenetic location: 17q23.1.
Variant type: single nucleotide variant.
Coding change: c.1051A>G on transcript NM_004859.4 (MANE Select); coding-DNA position 1051, A replaced by G.
Protein change: p.Met351Val; replaces methionine 351 with valine.
Molecular consequence: missense variant.
Genome position (GRCh38, 1-based): chr17:59,660,472, A>G. VCF-style: chr17-59660472-A-G. GRCh37 (hg19) VCF-style: chr17-57737833-A-G.
Other names: c.1063A>G, p.Met355Val (NM_001288653.2); short protein forms M351V, M355V.
Identifiers: ClinVar variation 1722271 (VCV001722271.5), dbSNP rs2509377289, ClinGen allele CA400423576.
Genomic context (GRCh38, chr17:59,660,472, plus strand): 5'-GAAGAAAACATAATTCCTTACATCACCAATGTTCTACAAAATCCTGATTTGGCTCTGAGA[A>G]TGGCTGTACGTAATAACTTAGCCGGTGCTGAAGAACTCTTTGCCCGGAAATTTAATGCTC-3'
Protein context (NP_004850.1, residues 341-361): VLQNPDLALR[Met351Val]AVRNNLAGAE